The following is an entry in ClinVar:

NM_004370.6(COL12A1):c.9134A>T (p.Asp3045Val)

Gene: COL12A1 (collagen type XII alpha 1 chain; minus strand). Cytogenetic location: 6q13.
Variant type: single nucleotide variant.
Coding change: c.9134A>T on transcript NM_004370.6 (MANE Select); coding-DNA position 9134, A replaced by T.
Protein change: p.Asp3045Val; replaces aspartic acid 3045 with valine.
Molecular consequence: missense variant.
Genome position (GRCh38, 1-based): chr6:75,087,624, T>A on the plus strand (A>T on the coding strand, the complement: COL12A1 is on the minus strand). VCF-style: chr6-75087624-T-A. GRCh37 (hg19) VCF-style: chr6-75797340-T-A.
Other names: c.5642A>T, p.Asp1881Val (NM_080645.3); short protein forms D3045V, D1881V.
Identifiers: ClinVar variation 426769 (VCV000426769.10), dbSNP rs751471471, ClinGen allele CA364732756.

ClinVar aggregate classification (germline): Uncertain significance. Review status: criteria provided, multiple submitters, no conflicts (2 of 4 stars). 2 submissions from 2 submitters: Uncertain significance (2). Last evaluated 2021-01-26.

Conditions:
Ullrich congenital muscular dystrophy 2 (UCMD2). Identifiers: Orphanet 75840, MedGen C4225314, MONDO:0014654, OMIM 616470.
Bethlem myopathy 2 (BTHLM2). Identifiers: Orphanet 536516, Orphanet 610, MedGen C4225313, MONDO:0034022, OMIM 616471.

gnomAD v4.1: 1 of 1,613,808 alleles (0.000062%); highest among the groups gnomAD compares: Non-Finnish European, 0.000085%; no homozygotes.

Submissions (2):

Labcorp Genetics (formerly Invitae), Labcorp
Classification: Uncertain significance for Bethlem myopathy 2; Ullrich congenital muscular dystrophy 2. Last evaluated: 2021-01-26. Review status: criteria provided, single submitter. Criteria: Invitae Variant Classification Sherloc (09022015). Collection method: clinical testing. Allele origin: germline.
Comment: This sequence change replaces aspartic acid with valine at codon 3045 of the COL12A1 protein (p.Asp3045Val). The aspartic acid residue is highly conserved and there is a large physicochemical difference between aspartic acid and valine. In summary, the available evidence is currently insufficient to determine the role of this variant in disease. Therefore, it has been classified as a Variant of Uncertain Significance. Algorithms developed to predict the effect of missense changes on protein structure and function are either unavailable or do not agree on the potential impact of this missense change (SIFT: "Deleterious"; PolyPhen-2: "Probably Damaging"; Align-GVGD: "Class C15"). This variant has not been reported in the literature in individuals with COL12A1-related conditions. ClinVar contains an entry for this variant (Variation ID: 426769). This variant is not present in population databases (ExAC no frequency).

GeneDx
Classification: Uncertain significance. Last evaluated: 2017-04-05. Review status: criteria provided, single submitter. Criteria: GeneDx Variant Classification (06012015). Collection method: clinical testing. Allele origin: germline. Affected: yes.
Comment: The D3045V variant in the COL12A1 gene has not been reported previously as a pathogenic variant, nor as a benign variant, to our knowledge. The D3045V variant is not observed in large population cohorts (Lek et al., 2016; 1000 Genomes Consortium et al., 2015; Exome Variant Server). The D3045V variant is a non-conservative amino acid substitution, which is likely to impact secondary protein structure as these residues differ in polarity, charge, size and/or other properties. This substitution occurs at a position that is conserved across species. In silico analysis predicts this variant is probably damaging to the protein structure/function. We interpret D3045V as a variant of uncertain significance.